The following is an entry in ClinVar:

ClinVar aggregate classification (germline): Uncertain significance (1 of 4 stars; one submission).

Conditions:
T-B+ severe combined immunodeficiency due to JAK3 deficiency. Also called: SCID, autosomal recessive, T-negative/B-positive type; SCID, T CELL-NEGATIVE, B CELL-POSITIVE, NK CELL-NEGATIVE. Identifiers: Orphanet 35078, MedGen C1833275, MONDO:0010938, OMIM 600802.

Submission:

Labcorp Genetics (formerly Invitae), Labcorp
Classification: Uncertain significance for T-B+ severe combined immunodeficiency due to JAK3 deficiency. Last evaluated: 2022-06-20. Review status: criteria provided, single submitter. Criteria: Invitae Variant Classification Sherloc (09022015). Collection method: clinical testing. Allele origin: germline.
Comment: This sequence change replaces glutamine, which is neutral and polar, with glutamic acid, which is acidic and polar, at codon 418 of the JAK3 protein (p.Gln418Glu). This variant is not present in population databases (gnomAD no frequency). This variant has not been reported in the literature in individuals affected with JAK3-related conditions. Algorithms developed to predict the effect of missense changes on protein structure and function (SIFT, PolyPhen-2, Align-GVGD) all suggest that this variant is likely to be tolerated. Algorithms developed to predict the effect of sequence changes on RNA splicing suggest that this variant may create or strengthen a splice site. In summary, the available evidence is currently insufficient to determine the role of this variant in disease. Therefore, it has been classified as a Variant of Uncertain Significance.

NM_000215.4(JAK3):c.1252C>G (p.Gln418Glu)

Gene: JAK3 (Janus kinase 3; minus strand). Cytogenetic location: 19p13.11.
Variant type: single nucleotide variant.
Coding change: c.1252C>G on transcript NM_000215.4 (MANE Select); coding-DNA position 1252, C replaced by G.
Protein change: p.Gln418Glu; replaces glutamine 418 with glutamic acid.
Molecular consequence: missense variant.
Genome position (GRCh38, 1-based): chr19:17,840,232, G>C on the plus strand (C>G on the coding strand, the complement: JAK3 is on the minus strand). VCF-style: chr19-17840232-G-C. GRCh37 (hg19) VCF-style: chr19-17951041-G-C.
Other names: short protein forms Q418E.
Identifiers: ClinVar variation 1365457 (VCV001365457.5), dbSNP rs2147692670, ClinGen allele CA404770515.